The following is an entry in ClinVar:

ClinVar aggregate classification (germline): Pathogenic/Likely pathogenic. Review status: criteria provided, multiple submitters, no conflicts (2 of 4 stars). 2 submissions from 2 submitters: Pathogenic (1); Likely pathogenic (1). Last evaluated 2025-05-02.

Conditions:
Glycogen storage disease, type II (IOPD). Also called: CARDIOMEGALIA GLYCOGENICA DIFFUSA; POMPE DISEASE, INFANTILE-ONSET; GLYCOGEN STORAGE DISEASE II, INFANTILE-ONSET; ACID ALPHA-GLUCOSIDASE DEFICIENCY, INFANTILE-ONSET; GAA DEFICIENCY, INFANTILE-ONSET; ACID MALTASE DEFICIENCY, INFANTILE-ONSET. Identifiers: Orphanet 365, MedGen C0017921, MONDO:0009290, OMIM 232300.

Submissions (2):

Women's Health and Genetics/Laboratory Corporation of America, LabCorp
Classification: Likely pathogenic for Glycogen storage disease, type II. Last evaluated: 2025-05-02. Review status: criteria provided, single submitter. Criteria: LabCorp Variant Classification Summary - May 2015. Collection method: clinical testing. Allele origin: germline.
Comment: Variant summary: GAA c.1370C>G (p.Pro457Arg) results in a non-conservative amino acid change in the encoded protein sequence. Five of five in-silico tools predict a damaging effect of the variant on protein function. The variant was absent in 250376 control chromosomes. c.1370C>G has been observed in individual(s) affected with Glycogen Storage Disease, Type 2 (Pompe Disease) (Internal data). To our knowledge, no experimental evidence demonstrating an impact on protein function has been reported. Different variant/s affecting the same codon have been classified as likely pathogenic by our lab c.1370C>A (p.Pro457His), GAA c.1370C>T (p.Pro457Leu) supporting the critical relevance of codon 457 to GAA protein function. ClinVar contains an entry for this variant (Variation ID: 2035414). Based on the evidence outlined above, the variant was classified as likely pathogenic.

Labcorp Genetics (formerly Invitae), Labcorp
Classification: Pathogenic for Glycogen storage disease, type II. Last evaluated: 2022-10-13. Review status: criteria provided, single submitter. Criteria: Invitae Variant Classification Sherloc (09022015). Collection method: clinical testing. Allele origin: germline.
Comment: This sequence change replaces proline, which is neutral and non-polar, with arginine, which is basic and polar, at codon 457 of the GAA protein (p.Pro457Arg). This variant is not present in population databases (gnomAD no frequency). This missense change has been observed in individual(s) with Pompe disease (Invitae). In at least one individual the data is consistent with being in trans (on the opposite chromosome) from a pathogenic variant. Advanced modeling of protein sequence and biophysical properties (such as structural, functional, and spatial information, amino acid conservation, physicochemical variation, residue mobility, and thermodynamic stability) performed at Invitae indicates that this missense variant is expected to disrupt GAA protein function. For these reasons, this variant has been classified as Pathogenic.

NM_000152.5(GAA):c.1370C>G (p.Pro457Arg)

Gene: GAA (alpha glucosidase; plus strand). Cytogenetic location: 17q25.3.
Variant type: single nucleotide variant.
Coding change: c.1370C>G on transcript NM_000152.5 (MANE Select); coding-DNA position 1370, C replaced by G.
Protein change: p.Pro457Arg; replaces proline 457 with arginine.
Molecular consequence: missense variant.
Genome position (GRCh38, 1-based): chr17:80,109,988, C>G. VCF-style: chr17-80109988-C-G. GRCh37 (hg19) VCF-style: chr17-78083787-C-G.
Other names: c.1370C>G, p.Pro457Arg (NM_001079803.3, NM_001079804.3, NM_001406741.1 and 1 more transcripts); short protein forms P457R.
Identifiers: ClinVar variation 2035414 (VCV002035414.5), dbSNP rs2039191855, ClinGen allele CA401366413.